The following is an entry in ClinVar:

NM_001440.4(EXTL3):c.1573A>G (p.Ser525Gly)

Gene: EXTL3 (exostosin like glycosyltransferase 3; plus strand). Cytogenetic location: 8p21.1.
Variant type: single nucleotide variant.
Coding change: c.1573A>G on transcript NM_001440.4 (MANE Select); coding-DNA position 1573, A replaced by G.
Protein change: p.Ser525Gly; replaces serine 525 with glycine.
Molecular consequence: missense variant.
Genome position (GRCh38, 1-based): chr8:28,717,632, A>G. VCF-style: chr8-28717632-A-G. GRCh37 (hg19) VCF-style: chr8-28575149-A-G.
Other names: short protein forms S525G.
Identifiers: ClinVar variation 1927634 (VCV001927634.2), dbSNP rs576797149, ClinGen allele CA4696245.

ClinVar aggregate classification (germline): Uncertain significance (1 of 4 stars; one submission).

Allele frequency attached by ClinVar (database versions not stated): TOPMed 0.00001; ExAC 0.00002; gnomAD 0.00002; gnomAD exomes 0.00002; 1000 Genomes Project 30x 0.00016; 1000 Genomes Project 0.00020.
gnomAD v4.1: 37 of 1,614,218 alleles (0.0023%); highest among the groups gnomAD compares: African/African-American, 0.004%; no homozygotes.

Submission:

Labcorp Genetics (formerly Invitae), Labcorp
Classification: Uncertain significance. Last evaluated: 2022-04-18. Review status: criteria provided, single submitter. Criteria: Invitae Variant Classification Sherloc (09022015). Collection method: clinical testing. Allele origin: germline.
Comment: This sequence change replaces serine, which is neutral and polar, with glycine, which is neutral and non-polar, at codon 525 of the EXTL3 protein (p.Ser525Gly). This variant is present in population databases (rs576797149, gnomAD 0.007%). This variant has not been reported in the literature in individuals affected with EXTL3-related conditions. Algorithms developed to predict the effect of missense changes on protein structure and function (SIFT, PolyPhen-2, Align-GVGD) all suggest that this variant is likely to be tolerated. In summary, the available evidence is currently insufficient to determine the role of this variant in disease. Therefore, it has been classified as a Variant of Uncertain Significance.